The following is an entry in ClinVar:

NM_001002295.2(GATA3):c.703C>A (p.Pro235Thr)

Gene: GATA3 (GATA binding protein 3; plus strand). Cytogenetic location: 10p14.
Variant type: single nucleotide variant.
Coding change: c.703C>A on transcript NM_001002295.2 (MANE Select); coding-DNA position 703, C replaced by A.
Protein change: p.Pro235Thr; replaces proline 235 with threonine.
Molecular consequence: missense variant.
Genome position (GRCh38, 1-based): chr10:8,058,766, C>A. VCF-style: chr10-8058766-C-A. GRCh37 (hg19) VCF-style: chr10-8100729-C-A.
Other names: c.703C>A, p.Pro235Thr (NM_002051.3); short protein forms P235T.
Identifiers: ClinVar variation 1937046 (VCV001937046.5), dbSNP rs1174595549, ClinGen allele CA375970674.
Genomic context (GRCh38, chr10:8,058,766, plus strand): 5'-ACCCACCACCCCATCACCACCTACCCGCCCTACGTGCCCGAGTACAGCTCCGGACTCTTC[C>A]CCCCCAGCAGCCTGCTGGGCGGCTCCCCCACCGGCTTCGGATGCAAGTCCAGGCCCAAGG-3'
Protein context (NP_001002295.1, residues 225-245): YVPEYSSGLF[Pro235Thr]PSSLLGGSPT

ClinVar aggregate classification (germline): Uncertain significance (1 of 4 stars; one submission).

Allele frequency attached by ClinVar (database versions not stated): gnomAD exomes below 0.00001; TOPMed 0.00002.
gnomAD v4.1: 4 of 1,610,842 alleles (0.00025%); highest among the groups gnomAD compares: African/African-American, 0.0053%; no homozygotes.

Submission:

Labcorp Genetics (formerly Invitae), Labcorp
Classification: Uncertain significance. Last evaluated: 2024-06-03. Review status: criteria provided, single submitter. Criteria: Invitae Variant Classification Sherloc (09022015). Collection method: clinical testing. Allele origin: germline.
Comment: This sequence change replaces proline, which is neutral and non-polar, with threonine, which is neutral and polar, at codon 235 of the GATA3 protein (p.Pro235Thr). This variant is not present in population databases (gnomAD no frequency). This variant has not been reported in the literature in individuals affected with GATA3-related conditions. ClinVar contains an entry for this variant (Variation ID: 1937046). Advanced modeling of protein sequence and biophysical properties (such as structural, functional, and spatial information, amino acid conservation, physicochemical variation, residue mobility, and thermodynamic stability) performed at Invitae indicates that this missense variant is not expected to disrupt GATA3 protein function with a negative predictive value of 80%. In summary, the available evidence is currently insufficient to determine the role of this variant in disease. Therefore, it has been classified as a Variant of Uncertain Significance.